The following is an entry in ClinVar:

ClinVar aggregate classification (germline): Likely pathogenic (1 of 4 stars; one submission).

Conditions:
TG-related disorder. Also called: TG-related condition; TG-related disorders.

Submission:

Women's Health and Genetics/Laboratory Corporation of America, LabCorp
Classification: Likely pathogenic for TG-Related Disorders. Last evaluated: 2024-11-06. Review status: criteria provided, single submitter. Criteria: LabCorp Variant Classification Summary - May 2015. Collection method: clinical testing. Allele origin: germline.
Comment: Variant summary: TG c.5548+2T>C is located in a canonical splice-site and is predicted to affect mRNA splicing resulting in a significantly altered protein due to either exon skipping, shortening, or inclusion of intronic material. Variants that disrupt the consensus splice site are a relatively common cause of aberrant splicing and loss of TG function. Several computational tools predict a significant impact on normal splicing: Four predict the variant abolishes a 5' splicing donor site. However, these predictions have yet to be confirmed by functional studies. The variant was absent in 250956 control chromosomes. To our knowledge, no occurrence of c.5548+2T>C in individuals affected with TG-Related Disorders and no experimental evidence demonstrating its impact on protein function have been reported. No submitters have cited clinical-significance assessments for this variant to ClinVar. Based on the evidence outlined above, the variant was classified as likely pathogenic.

NM_003235.5(TG):c.5548+2T>C

Gene: TG (thyroglobulin; plus strand). Cytogenetic location: 8q24.22.
Variant type: single nucleotide variant.
Coding change: c.5548+2T>C on transcript NM_003235.5 (MANE Select); the canonical splice donor site of the intron after coding-DNA position 5548, T replaced by C.
Molecular consequence: splice donor variant.
Genome position (GRCh38, 1-based): chr8:132,963,076, T>C. VCF-style: chr8-132963076-T-C. GRCh37 (hg19) VCF-style: chr8-133975321-T-C.
Identifiers: ClinVar variation 3629782 (VCV003629782.1).